The following is an entry in ClinVar:

ClinVar aggregate classification (germline): Likely benign (1 of 4 stars; one submission).

gnomAD v4.1: 44 of 1,609,282 alleles (0.0027%); highest among the groups gnomAD compares: African/African-American, 0.004%; no homozygotes.

Submission:

Women's Health and Genetics/Laboratory Corporation of America, LabCorp
Classification: Likely benign. Last evaluated: 2026-05-14. Review status: criteria provided, single submitter. Criteria: LabCorp Variant Classification Summary - May 2015. Collection method: clinical testing. Allele origin: germline.
Comment: Variant summary: TRIO c.3216+16C>T alters a nucleotide located at a position not widely known to affect splicing. Consensus agreement among computation tools predict no significant impact on normal splicing. However, these predictions have yet to be confirmed by functional studies. The variant allele was found at a frequency of 2e-05 in 245024 control chromosomes. The available data on variant occurrences in the general population are insufficient to allow any conclusion about variant significance. To our knowledge, no occurrence of c.3216+16C>T in individuals affected with TRIO-related conditions and no experimental evidence demonstrating its impact on protein function have been reported. No submitters have cited clinical-significance assessments for this variant to ClinVar. Based on the evidence outlined above, the variant was classified as likely benign.

NM_007118.4(TRIO):c.3216+16C>T

Gene: TRIO (trio Rho guanine nucleotide exchange factor; plus strand). Cytogenetic location: 5p15.2.
Variant type: single nucleotide variant.
Coding change: c.3216+16C>T on transcript NM_007118.4 (MANE Select); 16 bases into the intron after coding-DNA position 3216, C replaced by T.
Molecular consequence: intron variant.
Genome position (GRCh38, 1-based): chr5:14,369,539, C>T. VCF-style: chr5-14369539-C-T. GRCh37 (hg19) VCF-style: chr5-14369648-C-T.
Identifiers: ClinVar variation 4853069 (VCV004853069.1).